The following is an entry in ClinVar:

ClinVar aggregate classification (germline): Uncertain significance (1 of 4 stars; one submission).

Allele frequency attached by ClinVar (database versions not stated): TOPMed below 0.00001.

Submission:

Labcorp Genetics (formerly Invitae), Labcorp
Classification: Uncertain significance. Last evaluated: 2023-01-01. Review status: criteria provided, single submitter. Criteria: Invitae Variant Classification Sherloc (09022015). Collection method: clinical testing. Allele origin: germline.
Comment: This sequence change replaces proline, which is neutral and non-polar, with leucine, which is neutral and non-polar, at codon 653 of the ALPK3 protein (p.Pro653Leu). This variant is not present in population databases (gnomAD no frequency). This variant has not been reported in the literature in individuals affected with ALPK3-related conditions. Advanced modeling of protein sequence and biophysical properties (such as structural, functional, and spatial information, amino acid conservation, physicochemical variation, residue mobility, and thermodynamic stability) performed at Invitae indicates that this missense variant is not expected to disrupt ALPK3 protein function. In summary, the available evidence is currently insufficient to determine the role of this variant in disease. Therefore, it has been classified as a Variant of Uncertain Significance.

NM_020778.5(ALPK3):c.1352C>T (p.Pro451Leu)

Gene: ALPK3 (alpha kinase 3; plus strand). Cytogenetic location: 15q25.3.
Variant type: single nucleotide variant.
Coding change: c.1352C>T on transcript NM_020778.5 (MANE Select); coding-DNA position 1352, C replaced by T.
Protein change: p.Pro451Leu; replaces proline 451 with leucine.
Molecular consequence: missense variant.
Genome position (GRCh38, 1-based): chr15:84,840,631, C>T. VCF-style: chr15-84840631-C-T. GRCh37 (hg19) VCF-style: chr15-85383862-C-T.
Other names: short protein forms P451L.
Identifiers: ClinVar variation 2825731 (VCV002825731.3), dbSNP rs1352603669, ClinGen allele CA393375450.